The following is an entry in ClinVar:

ClinVar aggregate classification (germline): Uncertain significance (1 of 4 stars; one submission).

Allele frequency attached by ClinVar (database versions not stated): gnomAD 0.00001; gnomAD exomes 0.00001 and 0.00002; TOPMed 0.00002; ExAC 0.00003.
gnomAD v4.1: 34 of 1,603,678 alleles (0.0021%); highest among the groups gnomAD compares: Non-Finnish European, 0.0026%; no homozygotes.

Submission:

Labcorp Genetics (formerly Invitae), Labcorp
Classification: Uncertain significance. Last evaluated: 2025-10-12. Review status: criteria provided, single submitter. Criteria: Invitae Variant Classification Sherloc (09022015). Collection method: clinical testing. Allele origin: germline.
Comment: This sequence change replaces isoleucine, which is neutral and non-polar, with valine, which is neutral and non-polar, at codon 341 of the COQ8A protein (p.Ile341Val). This variant is present in population databases (rs754633292, gnomAD 0.003%). This variant has not been reported in the literature in individuals affected with COQ8A-related conditions. ClinVar contains an entry for this variant (Variation ID: 1480528). Invitae Evidence Modeling of protein sequence and biophysical properties (such as structural, functional, and spatial information, amino acid conservation, physicochemical variation, residue mobility, and thermodynamic stability) has been performed for this missense variant. However, the output from this modeling did not meet the statistical confidence thresholds required to predict the impact of this variant on COQ8A protein function. In summary, the available evidence is currently insufficient to determine the role of this variant in disease. Therefore, it has been classified as a Variant of Uncertain Significance.

NM_020247.5(COQ8A):c.1021A>G (p.Ile341Val)

Gene: COQ8A (coenzyme Q8A; plus strand). Cytogenetic location: 1q42.13.
Variant type: single nucleotide variant.
Coding change: c.1021A>G on transcript NM_020247.5 (MANE Select); coding-DNA position 1021, A replaced by G.
Protein change: p.Ile341Val; replaces isoleucine 341 with valine.
Molecular consequence: missense variant.
Genome position (GRCh38, 1-based): chr1:226,982,975, A>G. VCF-style: chr1-226982975-A-G. GRCh37 (hg19) VCF-style: chr1-227170676-A-G.
Other names: short protein forms I341V.
Identifiers: ClinVar variation 1480528 (VCV001480528.4), dbSNP rs754633292, ClinGen allele CA1425272.
Genomic context (GRCh38, chr1:226,982,975, plus strand): 5'-GGCCCCAACTGGCGGGACAAGTTGGAATACTTCGAGGAGCGGCCCTTCGCCGCCGCATCC[A>G]TTGGGCAGGTGCACTTGGCCCGAATGAAGGGCGGCCGCGAGGTGGCCATGAAGATCCAGG-3'
Protein context (NP_064632.2, residues 331-351): FEERPFAAAS[Ile341Val]GQVHLARMKG